The following is an entry in ClinVar:

ClinVar aggregate classification (germline): Uncertain significance (1 of 4 stars; one submission).

gnomAD v4.1: 2 of 1,486,118 alleles (0.00013%); highest among the groups gnomAD compares: African/African-American, 0.0015%; no homozygotes.

Submission:

Ambry Genetics
Classification: Uncertain significance. Last evaluated: 2025-05-11. Review status: criteria provided, single submitter. Criteria: Ambry Variant Classification Scheme 2023. Collection method: clinical testing. Allele origin: germline.
Comment: The p.G82V variant (also known as c.245G>T), located in coding exon 1 of the PALLD gene, results from a G to T substitution at nucleotide position 245. The glycine at codon 82 is replaced by valine, an amino acid with dissimilar properties. This amino acid position is conserved. In addition, this alteration is predicted to be tolerated by in silico analysis. Based on the available evidence, the clinical significance of this variant remains unclear.

NM_001166108.2(PALLD):c.1965-12786G>T

Gene: PALLD (palladin, cytoskeletal associated protein; plus strand). Cytogenetic location: 4q32.3.
Variant type: single nucleotide variant.
Coding change: c.1965-12786G>T on transcript NM_001166108.2 (MANE Select); 12786 bases into the intron before coding-DNA position 1965, G replaced by T.
Molecular consequence: intron variant. On other transcripts: missense variant (1).
Genome position (GRCh38, 1-based): chr4:168,878,136, G>T. VCF-style: chr4-168878136-G-T. GRCh37 (hg19) VCF-style: chr4-169799287-G-T.
Other names: c.245G>T, p.Gly82Val (NM_001166110.2); c.1965-12786G>T (NM_016081.4); c.819-12786G>T (NM_001166109.2); c.-157-12786G>T (NM_001367570.1, NM_001367568.1, NM_001367567.1 and 1 more transcripts); short protein forms G82V.
Identifiers: ClinVar variation 3927550 (VCV003927550.1).